The following is an entry in ClinVar:

NR_027350.2(MIR17HG):n.1144_1146delAGA

Gene: MIR17HG (miR-17-92a-1 cluster host gene; plus strand). Cytogenetic location: 13q31.3.
Variant type: Deletion.
Genome position: GRCh38 VCF-style: chr13-91350566-AAAG-A. GRCh37 (hg19) VCF-style: chr13-92002820-AAAG-A.
Identifiers: ClinVar variation 2629400 (VCV002629400.1), dbSNP rs769767106, ClinGen allele CA7016049.

ClinVar aggregate classification (germline): Uncertain significance (1 of 4 stars; one submission).

Conditions:
MIR17HG-related disorder. Also called: MIR17HG-related condition.

Submission:

PreventionGenetics, part of Exact Sciences
Classification: Uncertain significance for MIR17HG-related condition. Last evaluated: 2023-06-13. Review status: criteria provided, single submitter. Criteria: ACMG Guidelines, 2015. Collection method: clinical testing. Allele origin: germline.
Comment: The MIR17HG n.1011_1013delAGA variant is predicted to result in an in-frame deletion (Non-Coding). To our knowledge, this variant has not been reported in the literature. This variant is reported in 0.041% of alleles in individuals of Latino descent in gnomAD. At this time, the clinical significance of this variant is uncertain due to the absence of conclusive functional and genetic evidence.